The following is an entry in ClinVar:

NM_000334.4(SCN4A):c.4197G>A (p.Glu1399=)

Genes: GH-LCR (growth hormone locus control region; plus strand), SCN4A (sodium voltage-gated channel alpha subunit 4; minus strand). Cytogenetic location: 17q23.3.
Variant type: single nucleotide variant.
Coding change: c.4197G>A on transcript NM_000334.4 (MANE Select); coding-DNA position 4197, G replaced by A.
Protein change: p.Glu1399=; no amino-acid change (glutamic acid 1399 retained).
Molecular consequence: synonymous variant.
Genome position (GRCh38, 1-based): chr17:63,942,917, C>T on the plus strand (G>A on the coding strand, the complement: SCN4A is on the minus strand). VCF-style: chr17-63942917-C-T. GRCh37 (hg19) VCF-style: chr17-62020277-C-T.
Identifiers: ClinVar variation 4084929 (VCV004084929.8).

ClinVar aggregate classification (germline): Likely benign (1 of 4 stars; one submission).

Submission:

CeGaT Center for Human Genetics Tuebingen
Classification: Likely benign. Last evaluated: 2026-07-01. Review status: criteria provided, single submitter. Criteria: CeGaT Center For Human Genetics Tuebingen Variant Classification Criteria Version 2. Collection method: clinical testing. Allele origin: germline. Affected: yes. Observed: 3 variant alleles.
Comment: SCN4A: PM2:Supporting, BP4, BP7